The following is an entry in ClinVar:

ClinVar aggregate classification (germline): Uncertain significance (0 of 4 stars; one submission).

Conditions:
CHCHD10-related disorder. Also called: CHCHD10-related condition; CHCHD10-Related Disorders. Identifiers: MedGen CN381526.

Submission:

PreventionGenetics, part of Exact Sciences
Classification: Uncertain significance for CHCHD10-related condition. Last evaluated: 2024-06-06. Review status: no assertion criteria provided. Collection method: clinical testing. Allele origin: germline.
Comment: The CHCHD10 c.400T>C variant is predicted to result in the amino acid substitution p.Tyr134His. To our knowledge, this variant has not been reported in the literature or in gnomAD, indicating this variant is rare. At this time, the clinical significance of this variant is uncertain due to the absence of conclusive functional and genetic evidence.

NM_213720.3(CHCHD10):c.400T>C (p.Tyr134His)

Gene: CHCHD10 (coiled-coil-helix-coiled-coil-helix domain containing 10; minus strand). Cytogenetic location: 22q11.23.
Variant type: single nucleotide variant.
Coding change: c.400T>C on transcript NM_213720.3 (MANE Select); coding-DNA position 400, T replaced by C.
Protein change: p.Tyr134His; replaces tyrosine 134 with histidine.
Molecular consequence: missense variant. On other transcripts: non-coding transcript variant (2).
Genome position (GRCh38, 1-based): chr22:23,766,137, A>G on the plus strand (T>C on the coding strand, the complement: CHCHD10 is on the minus strand). VCF-style: chr22-23766137-A-G. GRCh37 (hg19) VCF-style: chr22-24108324-A-G.
Other names: c.421T>C, p.Tyr141His (NM_001301339.2); short protein forms Y134H, Y141H.
Identifiers: ClinVar variation 3346761 (VCV003346761.1).